The following is an entry in ClinVar:

ClinVar aggregate classification (germline): Pathogenic (1 of 4 stars; one submission).

Conditions:
Cystic renal disease.

Submission:

Genetics Laboratory, Great Ormond Street Hospital NHS Foundation Trust, North Thames Genomic Laboratory Hub
Classification: Pathogenic for Cystic renal disease. Last evaluated: 2025-09-01. Review status: criteria provided, single submitter. Criteria: ACGS Best Practice Guidelines for Variant Classification in Rare Disease 2024 v1.2. Collection method: clinical testing. Allele origin: germline. Affected: yes.
Comment: PM2_moderate, PVS1_very-strong

NM_001009944.3(PKD1):c.74_75delinsT (p.Gly25fs)

Gene: PKD1 (polycystin 1, transient receptor potential channel interacting; minus strand). Cytogenetic location: 16p13.3.
Variant type: Indel.
Coding change: c.74_75delinsT on transcript NM_001009944.3 (MANE Select); coding-DNA positions 74 to 75, GC replaced by T.
Protein change: p.Gly25fs; shifts the reading frame from glycine 25.
Molecular consequence: frameshift variant.
Genome position (GRCh38, 1-based): chr16:2,135,615-2,135,616, GC replaced by A on the plus strand (GC replaced by T on the coding strand, the reverse complement: PKD1 is on the minus strand). VCF-style: chr16-2135615-GC-A. GRCh37 (hg19) VCF-style: chr16-2185616-GC-A.
Other names: c.74_75delinsT, p.Gly25fs (NM_000296.4); short protein forms G25fs.
Identifiers: ClinVar variation 4526476 (VCV004526476.1).